The following is an entry in ClinVar:

NM_000016.6(ACADM):c.1184A>G (p.Lys395Arg)

Gene: ACADM (acyl-CoA dehydrogenase medium chain; plus strand). Cytogenetic location: 1p31.1.
Variant type: single nucleotide variant.
Coding change: c.1184A>G on transcript NM_000016.6 (MANE Select); coding-DNA position 1184, A replaced by G.
Protein change: p.Lys395Arg; replaces lysine 395 with arginine.
Molecular consequence: missense variant.
Genome position (GRCh38, 1-based): chr1:75,761,360, A>G. VCF-style: chr1-75761360-A-G. GRCh37 (hg19) VCF-style: chr1-76227045-A-G.
Other names: c.1196A>G, p.Lys399Arg (NM_001127328.3); c.1076A>G, p.Lys359Arg (NM_001286042.2); c.1283A>G, p.Lys428Arg (NM_001286043.2); c.617A>G, p.Lys206Arg (NM_001286044.2); short protein forms K395R, K206R, K399R, K428R, K359R.
Identifiers: ClinVar variation 550206 (VCV000550206.15), dbSNP rs776312173, ClinGen allele CA913285.

ClinVar aggregate classification (germline): Conflicting classifications of pathogenicity. Review status: criteria provided, conflicting classifications (1 of 4 stars). 5 submissions from 5 submitters: Pathogenic (1); Likely pathogenic (1); Uncertain significance (2). 1 of the submissions does not count toward it. Last evaluated 2025-12-22.

Conditions:
Medium-chain acyl-coenzyme A dehydrogenase deficiency (ACADMD). Also called: MCAD Deficiency; ACADM DEFICIENCY; MCADD; Medium chain acyl-CoA dehydrogenase deficiency; CARNITINE DEFICIENCY SECONDARY TO MEDIUM-CHAIN ACYL-CoA DEHYDROGENASE DEFICIENCY; MCADH DEFICIENCY. Identifiers: Orphanet 42, MedGen C0220710, MONDO:0008721, OMIM 201450.

Allele frequency attached by ClinVar (database versions not stated): gnomAD exomes below 0.00001; ExAC 0.00001.
gnomAD v4.1: 2 of 1,613,982 alleles (0.00012%); highest among the groups gnomAD compares: Non-Finnish European, 0.00017%; no homozygotes.

Submissions (5):

Myriad Genetics, Inc.
Classification: Uncertain significance for Medium-chain acyl-coenzyme A dehydrogenase deficiency. Last evaluated: 2025-12-22. Review status: criteria provided, single submitter. Criteria: Myriad Autosomal Dominant, Autosomal Recessive and X-Linked Classification Criteria (2023). Collection method: clinical testing. Allele origin: unknown.
Comment: NM_000016.4(ACADM):c.1184A>G(K395R) is a missense variant classified as a variant of uncertain significance in the context of medium-chain acyl-CoA dehydrogenase deficiency. K395R has been observed in a case with relevant disease (PMID: 22796001). Relevant functional assessments of this variant are not available in the literature. K395R has been observed in referenced population frequency databases. In summary, there is insufficient evidence to classify NM_000016.4(ACADM):c.1184A>G(K395R) as pathogenic or benign. Please note: this variant was assessed in the context of healthy population screening.

Women's Health and Genetics/Laboratory Corporation of America, LabCorp
Classification: Likely pathogenic for Medium-chain acyl-coenzyme A dehydrogenase deficiency. Last evaluated: 2025-09-22. Review status: criteria provided, single submitter. Criteria: LabCorp Variant Classification Summary - May 2015. Collection method: clinical testing. Allele origin: germline.
Comment: Variant summary: ACADM c.1184A>G (p.Lys395Arg) results in a conservative amino acid change located in the Acyl-CoA dehydrogenase/oxidase, C-terminal (IPR009075) of the encoded protein sequence. Algorithms developed to predict the effect of missense changes on protein structure and function are either unavailable or do not agree on the potential impact of this missense change. The variant allele was found at a frequency of 4e-06 in 250210 control chromosomes (gnomAD). c.1184A>G has been observed in the presumed compound heterozygous state in at least 2 individuals affected with Medium Chain Acyl-CoA Dehydrogenase Deficiency (Purevsuren_2012, Labcorp Genetics (formerly Invitae)). These data indicate that the variant may be associated with disease. To our knowledge, no experimental evidence demonstrating an impact on protein function has been reported. The following publications have been ascertained in the context of this evaluation (PMID: 22796001). ClinVar contains an entry for this variant (Variation ID: 550206). Based on the evidence outlined above, the variant was classified as likely pathogenic.

Labcorp Genetics (formerly Invitae), Labcorp
Classification: Pathogenic for Medium-chain acyl-coenzyme A dehydrogenase deficiency. Last evaluated: 2024-11-25. Review status: criteria provided, single submitter. Criteria: Invitae Variant Classification Sherloc (09022015). Collection method: clinical testing. Allele origin: germline.
Comment: This sequence change replaces lysine, which is basic and polar, with arginine, which is basic and polar, at codon 395 of the ACADM protein (p.Lys395Arg). This variant is present in population databases (rs776312173, gnomAD 0.0009%). This missense change has been observed in individual(s) with medium-chain acyl-coenzyme A dehydrogenase deficiency (PMID: 22796001; internal data). In at least one individual the data is consistent with being in trans (on the opposite chromosome) from a pathogenic variant. This variant is also known as K370R. ClinVar contains an entry for this variant (Variation ID: 550206). Invitae Evidence Modeling of protein sequence and biophysical properties (such as structural, functional, and spatial information, amino acid conservation, physicochemical variation, residue mobility, and thermodynamic stability) indicates that this missense variant is not expected to disrupt ACADM protein function with a negative predictive value of 80%. This variant disrupts the p.Lys395 amino acid residue in ACADM. Other variant(s) that disrupt this residue have been observed in individuals with ACADM-related conditions (internal data), which suggests that this may be a clinically significant amino acid residue. For these reasons, this variant has been classified as Pathogenic.

Mendelics
Classification: Uncertain significance. Last evaluated: 2022-05-04. Review status: criteria provided, single submitter. Criteria: Mendelics Assertion Criteria 2019. Collection method: clinical testing. Allele origin: germline.

Counsyl
Classification: Uncertain significance for Medium-chain acyl-coenzyme A dehydrogenase deficiency. Last evaluated: 2016-12-22. Review status: no assertion criteria provided. Collection method: clinical testing. Allele origin: unknown. Not counted in ClinVar's aggregate classification.

Literature cited by the submitters: PubMed 22796001 (cited by 4 submitters).